The following is an entry in ClinVar:

NM_001967.4(EIF4A2):c.517+1G>T

Gene: EIF4A2 (eukaryotic translation initiation factor 4A2; plus strand). Cytogenetic location: 3q27.3.
Variant type: single nucleotide variant.
Coding change: c.517+1G>T on transcript NM_001967.4 (MANE Select); the canonical splice donor site of the intron after coding-DNA position 517, G replaced by T.
Molecular consequence: splice donor variant.
Genome position (GRCh38, 1-based): chr3:186,786,052, G>T. VCF-style: chr3-186786052-G-T. GRCh37 (hg19) VCF-style: chr3-186503841-G-T.
Identifiers: ClinVar variation 2691878 (VCV002691878.2), dbSNP rs112754953, ClinGen allele CA355722597.

ClinVar aggregate classification (germline): Likely pathogenic (1 of 4 stars; one submission).

Conditions:
Neurodevelopmental disorder with hypotonia and speech delay, with or without seizures (NEDHSS). Identifiers: MedGen C5830654, MONDO:0957541, OMIM 620455.

Submission:

Institute of Human Genetics, University of Leipzig Medical Center
Classification: Likely pathogenic for Neurodevelopmental disorder with hypotonia and speech delay, with or without seizures. Last evaluated: 2023-12-19. Review status: criteria provided, single submitter. Criteria: ACMG Guidelines, 2015. Collection method: clinical testing. Allele origin: maternal. Inheritance: Autosomal dominant inheritance. Affected: yes.
Comment: Criteria applied: PVS1,PM2_SUP